The following is an entry in ClinVar:

ClinVar aggregate classification (germline): Uncertain significance (1 of 4 stars; one submission).

Conditions:
Early-infantile DEE. Also called: Early infantile epileptic encephalopathy; Ohtahara syndrome; Early infantile epileptic encephalopathy with suppression bursts. Identifiers: Orphanet 1934, MedGen C0393706, MONDO:0800491.

Allele frequency attached by ClinVar (database versions not stated): gnomAD exomes 0.00001 and 0.00002.
gnomAD v4.1: 17 of 1,601,490 alleles (0.0011%); highest among the groups gnomAD compares: African/African-American, 0.0027%; no homozygotes.

Submission:

Labcorp Genetics (formerly Invitae), Labcorp
Classification: Uncertain significance for Early-infantile DEE. Last evaluated: 2022-07-22. Review status: criteria provided, single submitter. Criteria: Invitae Variant Classification Sherloc (09022015). Collection method: clinical testing. Allele origin: germline.
Comment: In summary, the available evidence is currently insufficient to determine the role of this variant in disease. Therefore, it has been classified as a Variant of Uncertain Significance. Algorithms developed to predict the effect of missense changes on protein structure and function output the following: SIFT: "Tolerated"; PolyPhen-2: "Benign"; Align-GVGD: "Class C0". The leucine amino acid residue is found in multiple mammalian species, which suggests that this missense change does not adversely affect protein function. ClinVar contains an entry for this variant (Variation ID: 1370627). This variant has not been reported in the literature in individuals affected with SLC25A22-related conditions. This variant is present in population databases (no rsID available, gnomAD 0.007%). This sequence change replaces serine, which is neutral and polar, with leucine, which is neutral and non-polar, at codon 282 of the SLC25A22 protein (p.Ser282Leu).

NM_001191061.2(SLC25A22):c.845C>T (p.Ser282Leu)

Gene: SLC25A22 (solute carrier family 25 member 22; minus strand). Cytogenetic location: 11p15.5.
Variant type: single nucleotide variant.
Coding change: c.845C>T on transcript NM_001191061.2 (MANE Select); coding-DNA position 845, C replaced by T.
Protein change: p.Ser282Leu; replaces serine 282 with leucine.
Molecular consequence: missense variant.
Genome position (GRCh38, 1-based): chr11:792,042, G>A on the plus strand (C>T on the coding strand, the complement: SLC25A22 is on the minus strand). VCF-style: chr11-792042-G-A. GRCh37 (hg19) VCF-style: chr11-792042-G-A.
Other names: c.845C>T, p.Ser282Leu (NM_001191060.2, NM_024698.6); short protein forms S282L.
Identifiers: ClinVar variation 1370627 (VCV001370627.9), dbSNP rs1168502556, ClinGen allele CA378967121.